The following is an entry in ClinVar:

ClinVar aggregate classification (germline): Uncertain significance (1 of 4 stars; one submission).

Conditions:
Short-rib thoracic dysplasia 10 with or without polydactyly (SRTD10). Identifiers: Orphanet 474, MedGen C3810175, MONDO:0014284, OMIM 615630.
Retinitis pigmentosa 71 (RP71). Identifiers: Orphanet 791, MedGen C4225342, MONDO:0014618, OMIM 616394.

Submission:

Labcorp Genetics (formerly Invitae), Labcorp
Classification: Uncertain significance for Retinitis pigmentosa 71; Short-rib thoracic dysplasia 10 with or without polydactyly. Last evaluated: 2021-10-20. Review status: criteria provided, single submitter. Criteria: Invitae Variant Classification Sherloc (09022015). Collection method: clinical testing. Allele origin: germline.
Comment: In summary, the available evidence is currently insufficient to determine the role of this variant in disease. Therefore, it has been classified as a Variant of Uncertain Significance. Algorithms developed to predict the effect of missense changes on protein structure and function (SIFT, PolyPhen-2, Align-GVGD) all suggest that this variant is likely to be tolerated. This variant has not been reported in the literature in individuals affected with IFT172-related conditions. This variant is not present in population databases (ExAC no frequency). This sequence change replaces glutamic acid with aspartic acid at codon 1666 of the IFT172 protein (p.Glu1666Asp). The glutamic acid residue is moderately conserved and there is a small physicochemical difference between glutamic acid and aspartic acid.

NM_015662.3(IFT172):c.4998G>T (p.Glu1666Asp)

Genes: IFT172 (intraflagellar transport 172; minus strand), KRTCAP3 (keratinocyte associated protein 3; plus strand). Cytogenetic location: 2p23.3.
Variant type: single nucleotide variant.
Coding change: c.4998G>T on transcript NM_015662.3 (MANE Select); coding-DNA position 4998, G replaced by T.
Protein change: p.Glu1666Asp; replaces glutamic acid 1666 with aspartic acid.
Molecular consequence: missense variant. On other transcripts: intron variant (1).
Genome position (GRCh38, 1-based): chr2:27,445,366, C>A on the plus strand (G>T on the coding strand, the complement: IFT172 is on the minus strand). VCF-style: chr2-27445366-C-A. GRCh37 (hg19) VCF-style: chr2-27668233-C-A.
Other names: c.4932G>T, p.Glu1644Asp (NM_001410739.1); c.*6-935C>A (NM_001168364.2); short protein forms E1666D, E1644D.
Identifiers: ClinVar variation 1388067 (VCV001388067.7), dbSNP rs2148465651, ClinGen allele CA346413744.